The following is an entry in ClinVar:

NM_000264.5(PTCH1):c.121C>G (p.Arg41Gly)

Genes: PTCH1 (patched 1; minus strand), LOC130002133 (ATAC-STARR-seq lymphoblastoid silent region 20071; plus strand). Cytogenetic location: 9q22.32.
Variant type: single nucleotide variant.
Coding change: c.121C>G on transcript NM_000264.5 (MANE Select); coding-DNA position 121, C replaced by G.
Protein change: p.Arg41Gly; replaces arginine 41 with glycine.
Molecular consequence: missense variant. On other transcripts: non-coding transcript variant (1), intron variant (3).
Genome position (GRCh38, 1-based): chr9:95,508,241, G>C on the plus strand (C>G on the coding strand, the complement: PTCH1 is on the minus strand). VCF-style: chr9-95508241-G-C. GRCh37 (hg19) VCF-style: chr9-98270523-G-C.
Other names: c.121C>G, p.Arg41Gly (NM_001354918.2); c.199-1642C>G (NM_001083603.3); c.4-1642C>G (NM_001083602.3, NM_001354919.2); short protein forms R41G.
Identifiers: ClinVar variation 2772105 (VCV002772105.3), dbSNP rs1554709496, ClinGen allele CA374121397.
Genomic context (GRCh38, chr9:95,508,241, plus strand): 5'-CGAAGGCGGCGTCGCAGTAGCTGGGCCGGTGCAGATAGTCCCGGTCCGGCGCGGCAGCAC[G>C]GCGCAGCCCCCCCGTCCGTCTGCGCCTCCCGCCTCCAGCCGGCCGTCCCGGGGCACCGAT-3'
Protein context (NP_000255.2, residues 31-51): GRRRRTGGLR[Arg41Gly]AAAPDRDYLH

ClinVar aggregate classification (germline): Uncertain significance (1 of 4 stars; one submission).

Conditions:
Gorlin syndrome. Also called: Nevoid Basal Cell Carcinoma Syndrome; Basal cell nevus syndrome. Identifiers: Orphanet 377, MedGen C0004779, MONDO:0007187.

Submission:

Labcorp Genetics (formerly Invitae), Labcorp
Classification: Uncertain significance for Gorlin syndrome. Last evaluated: 2023-10-27. Review status: criteria provided, single submitter. Criteria: Invitae Variant Classification Sherloc (09022015). Collection method: clinical testing. Allele origin: germline.
Comment: This sequence change replaces arginine, which is basic and polar, with glycine, which is neutral and non-polar, at codon 41 of the PTCH1 protein (p.Arg41Gly). This variant is not present in population databases (gnomAD no frequency). This variant has not been reported in the literature in individuals affected with PTCH1-related conditions. Advanced modeling of protein sequence and biophysical properties (such as structural, functional, and spatial information, amino acid conservation, physicochemical variation, residue mobility, and thermodynamic stability) performed at Invitae indicates that this missense variant is not expected to disrupt PTCH1 protein function with a negative predictive value of 95%. In summary, the available evidence is currently insufficient to determine the role of this variant in disease. Therefore, it has been classified as a Variant of Uncertain Significance.